The following is an entry in ClinVar:

NM_004067.4(CHN2):c.1312C>T (p.Pro438Ser)

Genes: CHN2 (chimerin 2; plus strand), PRR15-DT (PRR15 divergent transcript; minus strand). Cytogenetic location: 7p14.3.
Variant type: single nucleotide variant.
Coding change: c.1312C>T on transcript NM_004067.4 (MANE Select); coding-DNA position 1312, C replaced by T.
Protein change: p.Pro438Ser; replaces proline 438 with serine.
Molecular consequence: missense variant. On other transcripts: 3 prime UTR variant (1), non-coding transcript variant (2).
Genome position (GRCh38, 1-based): chr7:29,512,640, C>T. VCF-style: chr7-29512640-C-T. GRCh37 (hg19) VCF-style: chr7-29552256-C-T.
Other names: NM_001293069.1:c.1537C>T; c.904C>T, p.Pro302Ser (NM_001039936.3); c.1351C>T, p.Pro451Ser (NM_001293070.2); c.1207C>T, p.Pro403Ser (NM_001293071.2); c.1267C>T, p.Pro423Ser (NM_001293072.2); c.769C>T, p.Pro257Ser (NM_001293073.2); c.631C>T, p.Pro211Ser (NM_001293075.2); c.730C>T, p.Pro244Ser (NM_001293076.2); and 6 more; short protein forms P211S, P244S, P438S, P403S, P231S, P256S, P257S, P302S.
Identifiers: ClinVar variation 776213 (VCV000776213.6), dbSNP rs34971642, ClinGen allele CA4202406.

ClinVar aggregate classification (germline): Benign. Review status: criteria provided, single submitter (1 of 4 stars). 2 submissions from 2 submitters: Benign (1). 1 of the submissions does not count toward it. Last evaluated 2018-05-25.

Conditions:
CHN2-related disorder. Also called: CHN2-related condition.

Allele frequency attached by ClinVar (database versions not stated): ExAC 0.00438; TOPMed 0.01577; ESP Exome Variant Server 0.01815; 1000 Genomes Project 0.01358; 1000 Genomes Project 30x 0.01530.
gnomAD v4.1: 4,083 of 1,614,034 alleles (0.25%); highest among the groups gnomAD compares: African/African-American, 4.8%; 95 homozygotes.

Submissions (2):

Labcorp Genetics (formerly Invitae), Labcorp
Classification: Benign. Last evaluated: 2018-05-25. Review status: criteria provided, single submitter. Criteria: Invitae Variant Classification Sherloc (09022015). Collection method: clinical testing. Allele origin: germline.

PreventionGenetics, part of Exact Sciences
Classification: Benign for CHN2-related condition. Last evaluated: 2019-03-26. Review status: no assertion criteria provided. Collection method: clinical testing. Allele origin: germline. Not counted in ClinVar's aggregate classification.
Comment: This variant is classified as benign based on ACMG/AMP sequence variant interpretation guidelines (Richards et al. 2015 PMID: 25741868, with internal and published modifications).